The following is an entry in ClinVar:

NM_021830.5(TWNK):c.1006G>A (p.Gly336Arg)

Gene: TWNK (twinkle mtDNA helicase; plus strand). Cytogenetic location: 10q24.31.
Variant type: single nucleotide variant.
Coding change: c.1006G>A on transcript NM_021830.5 (MANE Select); coding-DNA position 1006, G replaced by A.
Protein change: p.Gly336Arg; replaces glycine 336 with arginine.
Molecular consequence: missense variant. On other transcripts: non-coding transcript variant (4), intron variant (3).
Genome position (GRCh38, 1-based): chr10:100,989,216, G>A. VCF-style: chr10-100989216-G-A. GRCh37 (hg19) VCF-style: chr10-102748973-G-A.
Other names: c.1006G>A, p.Gly336Arg (NM_001163812.2); c.-119-428G>A (NM_001163814.2, NM_001163813.2); c.-57-490G>A (NM_001368275.1); short protein forms G336R.
Identifiers: ClinVar variation 3719156 (VCV003719156.2).

ClinVar aggregate classification (germline): Uncertain significance (1 of 4 stars; one submission).

Submission:

Labcorp Genetics (formerly Invitae), Labcorp
Classification: Uncertain significance. Last evaluated: 2025-01-01. Review status: criteria provided, single submitter. Criteria: Invitae Variant Classification Sherloc (09022015). Collection method: clinical testing. Allele origin: germline.
Comment: This sequence change replaces glycine, which is neutral and non-polar, with arginine, which is basic and polar, at codon 336 of the TWNK protein (p.Gly336Arg). This variant is not present in population databases (gnomAD no frequency). This variant has not been reported in the literature in individuals affected with TWNK-related conditions. Invitae Evidence Modeling of protein sequence and biophysical properties (such as structural, functional, and spatial information, amino acid conservation, physicochemical variation, residue mobility, and thermodynamic stability) indicates that this missense variant is expected to disrupt TWNK protein function with a positive predictive value of 80%. In summary, the available evidence is currently insufficient to determine the role of this variant in disease. Therefore, it has been classified as a Variant of Uncertain Significance.